The following is an entry in ClinVar:

ClinVar aggregate classification (germline): Uncertain significance (1 of 4 stars; one submission).

Conditions:
Chédiak-Higashi syndrome (CHS). Also called: Chediak-Higashi Syndrome. Identifiers: Orphanet 167, MedGen C0007965, MONDO:0008963, OMIM 214500.

Submission:

Labcorp Genetics (formerly Invitae), Labcorp
Classification: Uncertain significance for Chédiak-Higashi syndrome. Last evaluated: 2025-03-12. Review status: criteria provided, single submitter. Criteria: Invitae Variant Classification Sherloc (09022015). Collection method: clinical testing. Allele origin: germline.
Comment: This sequence change replaces serine, which is neutral and polar, with phenylalanine, which is neutral and non-polar, at codon 2235 of the LYST protein (p.Ser2235Phe). This variant is not present in population databases (gnomAD no frequency). This variant has not been reported in the literature in individuals affected with LYST-related conditions. Invitae Evidence Modeling of protein sequence and biophysical properties (such as structural, functional, and spatial information, amino acid conservation, physicochemical variation, residue mobility, and thermodynamic stability) indicates that this missense variant is not expected to disrupt LYST protein function with a negative predictive value of 80%. In summary, the available evidence is currently insufficient to determine the role of this variant in disease. Therefore, it has been classified as a Variant of Uncertain Significance.

NM_000081.4(LYST):c.6704C>T (p.Ser2235Phe)

Gene: LYST (lysosomal trafficking regulator; minus strand). Cytogenetic location: 1q42.3.
Variant type: single nucleotide variant.
Coding change: c.6704C>T on transcript NM_000081.4 (MANE Select); coding-DNA position 6704, C replaced by T.
Protein change: p.Ser2235Phe; replaces serine 2235 with phenylalanine.
Molecular consequence: missense variant.
Genome position (GRCh38, 1-based): chr1:235,759,149, G>A on the plus strand (C>T on the coding strand, the complement: LYST is on the minus strand). VCF-style: chr1-235759149-G-A. GRCh37 (hg19) VCF-style: chr1-235922449-G-A.
Other names: c.6704C>T, p.Ser2235Phe (NM_001301365.1); short protein forms S2235F.
Identifiers: ClinVar variation 4743981 (VCV004743981.1).